The following is an entry in ClinVar:

NM_005654.6(NR2F1):c.365G>T (p.Cys122Phe)

Genes: NR2F1 (nuclear receptor subfamily 2 group F member 1; plus strand), NR2F1-AS1 (NR2F1 regulatory antisense RNA 1; minus strand). Cytogenetic location: 5q15.
Variant type: single nucleotide variant.
Coding change: c.365G>T on transcript NM_005654.6 (MANE Select); coding-DNA position 365, G replaced by T.
Protein change: p.Cys122Phe; replaces cysteine 122 with phenylalanine.
Molecular consequence: missense variant. On other transcripts: non-coding transcript variant (8).
Genome position (GRCh38, 1-based): chr5:93,585,388, G>T. VCF-style: chr5-93585388-G-T. GRCh37 (hg19) VCF-style: chr5-92921094-G-T.
Other names: short protein forms C122F.
Identifiers: ClinVar variation 4879735 (VCV004879735.1).
Genomic context (GRCh38, chr5:93,585,388, plus strand): 5'-CCTGCGAGGGCTGCAAAAGTTTCTTCAAGAGGAGCGTCCGCAGGAACTTAACTTACACAT[G>T]CCGTGCCAACAGGAACTGTCCCATCGACCAGCACCACCGCAACCAGTGCCAATACTGCCG-3'
Protein context (NP_005645.1, residues 112-132): RSVRRNLTYT[Cys122Phe]RANRNCPIDQ

ClinVar aggregate classification (germline): Pathogenic (1 of 4 stars; one submission).

Conditions:
Bosch-Boonstra-Schaaf optic atrophy syndrome (BBSOAS). Also called: NR2F1-Related Neurodevelopmental Disorder. Identifiers: Orphanet 401777, MedGen C3810363, MONDO:0014320, OMIM 615722.

Submission:

Victorian Clinical Genetics Services, Murdoch Childrens Research Institute
Classification: Pathogenic for Bosch-Boonstra-Schaaf optic atrophy syndrome. Last evaluated: 2026-07-10. Review status: criteria provided, single submitter. Criteria: ACMG Guidelines, 2015. Collection method: clinical testing. Allele origin: germline. Affected: yes.
Comment: This variant is classified as Pathogenic. Evidence in support of pathogenic classification: This variant is absent from gnomAD v4; This variant has limited previous evidence of pathogenicity in an unrelated individual. This variant has been reported as de novo in a child with Bosch-Boonstra-Schaaf optic atrophy syndrome with epilepsy (PMID: 40217317); Other variants comparable to the one identified in this case have moderate previous evidence for pathogenicity. The p.(Cys122Tyr), p.(Cys122Ser), and p.(Cys122Arg) variants have been classified as likely pathogenic by clinical laboratories in ClinVar; Variant is located in the well-established functional zinc finger, C4 type domain. Pathogenic variants are commonly reported in this domain (PMID: 24462372, 26986877, 28963436); Missense variant predicted to be damaging by in silico tool(s) and/or highly conserved with a major amino acid change; Additional information: This variant is predicted to result in a missense amino acid change from Cys to Phe; This variant is heterozygous; This gene is associated with autosomal dominant disease; No published evidence of segregation with disease has been identified for this variant; No published functional evidence has been identified for this variant; Loss of function is a known mechanism of disease in this gene and is associated with Bosch-Boonstra-Schaaf optic atrophy syndrome (MIM#615722; PMID: 24462372, 26986877). However, a dominant-negative mechanism has been proposed for variants in the DNA binding domain of the protein (PMID: 26986877, 32275123).

Literature cited by the submitters: PubMed 28963436; PubMed 32275123; PubMed 24462372; PubMed 26986877; PubMed 40217317.